The following is an entry in ClinVar:

ClinVar aggregate classification (germline): Conflicting classifications of pathogenicity. Review status: criteria provided, conflicting classifications (1 of 4 stars). 3 submissions from 3 submitters: Uncertain significance (1); Likely benign (2). Last evaluated 2025-10-23.

Conditions:
Cardiovascular phenotype. Identifiers: MedGen CN230736.
Dilated cardiomyopathy 1W (CMD1W). Identifiers: Orphanet 154, MedGen C1969639, MONDO:0012667, OMIM 611407.

Allele frequency attached by ClinVar (database versions not stated): ExAC 0.00001; gnomAD exomes 0.00001; gnomAD 0.00005 and 0.00006; TOPMed 0.00006.
gnomAD v4.1: 24 of 1,614,030 alleles (0.0015%); highest among the groups gnomAD compares: African/African-American, 0.016%; no homozygotes.

Submissions (3):

Labcorp Genetics (formerly Invitae), Labcorp
Classification: Likely benign for Dilated cardiomyopathy 1W. Last evaluated: 2025-10-23. Review status: criteria provided, single submitter. Criteria: Invitae Variant Classification Sherloc (09022015). Collection method: clinical testing. Allele origin: germline.

Ambry Genetics
Classification: Uncertain significance for Cardiovascular phenotype. Last evaluated: 2021-06-24. Review status: criteria provided, single submitter. Criteria: Ambry Variant Classification Scheme 2023. Collection method: clinical testing. Allele origin: germline.
Comment: The c.2748G>A (p.P916P) alteration is located in exon 19 (coding exon 19) of the VCL gene. This alteration consists of a G to A substitution at nucleotide position 2748. This nucleotide substitution does not change the amino acid at codon 916. However, this change occurs in the last nucleotide of Exon 19 (c.2746_2949) which makes it likely to have some effect on normal mRNA splicing. Based on insufficient or conflicting evidence, the clinical significance of this alteration remains unclear.

GeneDx
Classification: Likely benign. Last evaluated: 2015-10-26. Review status: criteria provided, single submitter. Criteria: GeneDx Variant Classification (06012015). Collection method: clinical testing. Allele origin: germline. Affected: yes.
Comment: This variant is considered likely benign or benign based on one or more of the following criteria: it is a conservative change, it occurs at a poorly conserved position in the protein, it is predicted to be benign by multiple in silico algorithms, and/or has population frequency not consistent with disease.

NM_014000.3(VCL):c.2748G>A (p.Pro916=)

Gene: VCL (vinculin; plus strand). Cytogenetic location: 10q22.2.
Variant type: single nucleotide variant.
Coding change: c.2748G>A on transcript NM_014000.3 (MANE Select); coding-DNA position 2748, G replaced by A.
Protein change: p.Pro916=; no amino-acid change (proline 916 retained).
Molecular consequence: synonymous variant. On other transcripts: intron variant (1).
Genome position (GRCh38, 1-based): chr10:74,111,911, G>A. VCF-style: chr10-74111911-G-A. GRCh37 (hg19) VCF-style: chr10-75871669-G-A.
Other names: c.2746-2273G>A (NM_003373.4).
Identifiers: ClinVar variation 380733 (VCV000380733.12), dbSNP rs761794669, ClinGen allele CA5563301.